The following is an entry in ClinVar:

NM_207122.2(EXT2):c.682G>A (p.Val228Ile)

Gene: EXT2 (exostosin glycosyltransferase 2; plus strand). Cytogenetic location: 11p11.2.
Variant type: single nucleotide variant.
Coding change: c.682G>A on transcript NM_207122.2 (MANE Select); coding-DNA position 682, G replaced by A.
Protein change: p.Val228Ile; replaces valine 228 with isoleucine.
Molecular consequence: missense variant.
Genome position (GRCh38, 1-based): chr11:44,114,240, G>A. VCF-style: chr11-44114240-G-A. GRCh37 (hg19) VCF-style: chr11-44135790-G-A.
Other names: c.781G>A, p.Val261Ile (NM_000401.3); c.682G>A, p.Val228Ile (NM_001178083.3, NM_001389628.1, NM_001389630.1); short protein forms V228I, V261I.
Identifiers: ClinVar variation 3655146 (VCV003655146.2).

ClinVar aggregate classification (germline): Uncertain significance (1 of 4 stars; one submission).

Conditions:
Exostoses, multiple, type 2 (EXT2). Also called: Hereditary Multiple Osteochondromatosis, Type II; EXOSTOSES, MULTIPLE, TYPE II. Identifiers: Orphanet 321, MedGen C1851413, MONDO:0007586, OMIM 133701.

Submission:

Labcorp Genetics (formerly Invitae), Labcorp
Classification: Uncertain significance for Exostoses, multiple, type 2. Last evaluated: 2024-05-31. Review status: criteria provided, single submitter. Criteria: Invitae Variant Classification Sherloc (09022015). Collection method: clinical testing. Allele origin: germline.
Comment: This sequence change replaces valine, which is neutral and non-polar, with isoleucine, which is neutral and non-polar, at codon 228 of the EXT2 protein (p.Val228Ile). This variant is not present in population databases (gnomAD no frequency). This variant has not been reported in the literature in individuals affected with EXT2-related conditions. Advanced modeling of protein sequence and biophysical properties (such as structural, functional, and spatial information, amino acid conservation, physicochemical variation, residue mobility, and thermodynamic stability) performed at Invitae indicates that this missense variant is not expected to disrupt EXT2 protein function with a negative predictive value of 80%. In summary, the available evidence is currently insufficient to determine the role of this variant in disease. Therefore, it has been classified as a Variant of Uncertain Significance.